The following is an entry in ClinVar:

NM_001369.3(DNAH5):c.439-2A>G

Gene: DNAH5 (dynein axonemal heavy chain 5; minus strand). Cytogenetic location: 5p15.2.
Variant type: single nucleotide variant.
Coding change: c.439-2A>G on transcript NM_001369.3 (MANE Select); the canonical splice acceptor site of the intron before coding-DNA position 439, A replaced by G.
Molecular consequence: splice acceptor variant.
Genome position (GRCh38, 1-based): chr5:13,922,330, T>C on the plus strand (A>G on the coding strand, the complement: DNAH5 is on the minus strand). VCF-style: chr5-13922330-T-C. GRCh37 (hg19) VCF-style: chr5-13922439-T-C.
Identifiers: ClinVar variation 571328 (VCV000571328.12), dbSNP rs565076112, ClinGen allele CA3205175.
Genomic context (GRCh38, chr5:13,922,330, plus strand): 5'-CGTCTCACACTGTTGAGCAGGCCTCCATCTGCCGCATCTAACATGTTAAAACTCACCTCC[T>C]GGAAAACAGGCAGGAGATCTTTTATTGTAAAAATCATCCTCAAATGCAACACAACTACTA-3'

ClinVar aggregate classification (germline): Likely pathogenic. Review status: criteria provided, multiple submitters, no conflicts (2 of 4 stars). 3 submissions from 3 submitters: Likely pathogenic (2). 1 of the submissions does not count toward it. Last evaluated 2024-07-19.

Conditions:
Primary ciliary dyskinesia 3. Identifiers: Orphanet 244, MedGen C1837618, MONDO:0012085, OMIM 608644.
Primary ciliary dyskinesia. Also called: Ciliary dyskinesia. Identifiers: Orphanet 244, MedGen C0008780, MONDO:0016575, HP:0012265.

Allele frequency attached by ClinVar (database versions not stated): gnomAD 0.00001; gnomAD exomes 0.00001 and 0.00002; TOPMed 0.00002; ExAC 0.00003; 1000 Genomes Project 30x 0.00016; 1000 Genomes Project 0.00020.
gnomAD v4.1: 10 of 1,612,684 alleles (0.00062%); highest among the groups gnomAD compares: Admixed American, 0.0083%; no homozygotes.

Submissions (3):

Labcorp Genetics (formerly Invitae), Labcorp
Classification: Likely pathogenic for Primary ciliary dyskinesia. Last evaluated: 2024-07-19. Review status: criteria provided, single submitter. Criteria: Invitae Variant Classification Sherloc (09022015). Collection method: clinical testing. Allele origin: germline.
Comment: This sequence change affects an acceptor splice site in intron 4 of the DNAH5 gene. It is expected to disrupt RNA splicing. Variants that disrupt the donor or acceptor splice site typically lead to a loss of protein function (PMID: 16199547), and loss-of-function variants in DNAH5 are known to be pathogenic (PMID: 11788826, 16627867). This variant is present in population databases (rs565076112, gnomAD 0.01%). This variant has not been reported in the literature in individuals affected with DNAH5-related conditions. ClinVar contains an entry for this variant (Variation ID: 571328). Algorithms developed to predict the effect of sequence changes on RNA splicing suggest that this variant may disrupt the consensus splice site. In summary, the currently available evidence indicates that the variant is pathogenic, but additional data are needed to prove that conclusively. Therefore, this variant has been classified as Likely Pathogenic.

Fulgent Genetics
Classification: Likely pathogenic for Primary ciliary dyskinesia 3. Last evaluated: 2024-01-23. Review status: criteria provided, single submitter. Criteria: ACMG Guidelines, 2015. Collection method: clinical testing. Allele origin: germline.

Natera, Inc.
Classification: Likely pathogenic for Primary ciliary dyskinesia. Last evaluated: 2021-01-19. Review status: no assertion criteria provided. Collection method: clinical testing. Allele origin: germline. Not counted in ClinVar's aggregate classification.

Literature cited by the submitters: PubMed 16199547 (cited by Labcorp Genetics (formerly Invitae), Labcorp); PubMed 11788826 (cited by Labcorp Genetics (formerly Invitae), Labcorp); PubMed 16627867 (cited by Labcorp Genetics (formerly Invitae), Labcorp).